The following is an entry in ClinVar:

ClinVar aggregate classification (germline): Uncertain significance (1 of 4 stars; one submission).

Allele frequency attached by ClinVar (database versions not stated): gnomAD exomes 0.00001 and 0.00003; ExAC 0.00002; gnomAD 0.00003 and 0.00004.
gnomAD v4.1: 48 of 1,613,510 alleles (0.003%); highest among the groups gnomAD compares: Admixed American, 0.015%; no homozygotes.

Submission:

Labcorp Genetics (formerly Invitae), Labcorp
Classification: Uncertain significance. Last evaluated: 2023-09-08. Review status: criteria provided, single submitter. Criteria: Invitae Variant Classification Sherloc (09022015). Collection method: clinical testing. Allele origin: germline.
Comment: This sequence change replaces arginine, which is basic and polar, with histidine, which is basic and polar, at codon 240 of the CD55 protein (p.Arg240His). This variant is present in population databases (rs199705465, gnomAD 0.01%). This missense change has been observed in individual(s) with Cromer blood group antigen but has not been reported in individuals with CD55-related disease (PMID: 12675719, 15373545). This variant is also known as Arg206His. ClinVar contains an entry for this variant (Variation ID: 1023320). Advanced modeling of protein sequence and biophysical properties (such as structural, functional, and spatial information, amino acid conservation, physicochemical variation, residue mobility, and thermodynamic stability) performed at Invitae indicates that this missense variant is not expected to disrupt CD55 protein function. In summary, the available evidence is currently insufficient to determine the role of this variant in disease. Therefore, it has been classified as a Variant of Uncertain Significance.

Literature cited by the submitters: PubMed 12675719; PubMed 15373545.

NM_000574.5(CD55):c.719G>A (p.Arg240His)

Gene: CD55 (CD55 molecule (Cromer blood group); plus strand). Cytogenetic location: 1q32.2.
Variant type: single nucleotide variant.
Coding change: c.719G>A on transcript NM_000574.5 (MANE Select); coding-DNA position 719, G replaced by A.
Protein change: p.Arg240His; replaces arginine 240 with histidine.
Molecular consequence: missense variant. On other transcripts: non-coding transcript variant (1).
Genome position (GRCh38, 1-based): chr1:207,331,162, G>A. VCF-style: chr1-207331162-G-A. GRCh37 (hg19) VCF-style: chr1-207504507-G-A.
Other names: c.719G>A, p.Arg240His (NM_001114752.3, NM_001300902.2, NM_001300903.2 and 1 more transcripts); short protein forms R240H.
Identifiers: ClinVar variation 1023320 (VCV001023320.6), dbSNP rs199705465, ClinGen allele CA1368083.